The following is an entry in ClinVar:

NM_001385125.1(OPN1SW):c.773G>A (p.Cys258Tyr)

Gene: OPN1SW (opsin 1, short wave sensitive; minus strand). Cytogenetic location: 7q32.1.
Variant type: single nucleotide variant.
Coding change: c.773G>A on transcript NM_001385125.1 (MANE Select); coding-DNA position 773, G replaced by A.
Protein change: p.Cys258Tyr; replaces cysteine 258 with tyrosine.
Molecular consequence: missense variant.
Genome position (GRCh38, 1-based): chr7:128,773,794, C>T on the plus strand (G>A on the coding strand, the complement: OPN1SW is on the minus strand). VCF-style: chr7-128773794-C-T. GRCh37 (hg19) VCF-style: chr7-128413848-C-T.
Other names: short protein forms C258Y.
Identifiers: ClinVar variation 4776223 (VCV004776223.1).

ClinVar aggregate classification (germline): Uncertain significance (1 of 4 stars; one submission).

Submission:

Labcorp Genetics (formerly Invitae), Labcorp
Classification: Uncertain significance. Last evaluated: 2025-08-12. Review status: criteria provided, single submitter. Criteria: Invitae Variant Classification Sherloc (09022015). Collection method: clinical testing. Allele origin: germline.
Comment: This sequence change replaces cysteine, which is neutral and slightly polar, with tyrosine, which is neutral and polar, at codon 261 of the OPN1SW protein (p.Cys261Tyr). This variant is not present in population databases (gnomAD no frequency). This variant has not been reported in the literature in individuals affected with OPN1SW-related conditions. An algorithm developed to predict the effect of missense changes on protein structure and function (PolyPhen-2) suggests that this variant is likely to be disruptive. In summary, the available evidence is currently insufficient to determine the role of this variant in disease. Therefore, it has been classified as a Variant of Uncertain Significance.